The following is an entry in ClinVar:

NM_001378454.1(ALMS1):c.2314_2315del (p.Ile772fs)

Gene: ALMS1 (ALMS1 centrosome and basal body associated protein; plus strand). Cytogenetic location: 2p13.1.
Variant type: Deletion.
Coding change: c.2314_2315del on transcript NM_001378454.1 (MANE Select); coding-DNA positions 2314 to 2315, 2 bases deleted (AT; older notation c.2314_2315delAT).
Protein change: p.Ile772fs; shifts the reading frame from isoleucine 772.
Molecular consequence: frameshift variant.
Genome position (GRCh38, 1-based): chr2:73,448,841-73,448,842, AT deleted; deleting any 2 consecutive bases within chr2:73,448,840-73,448,842 gives the same sequence; the c. name uses the placement nearest the transcript's 3' end. VCF-style (leftmost placement, unchanged base first): chr2-73448839-GTA-G. GRCh37 (hg19) VCF-style: chr2-73675966-GTA-G.
Other names: c.2317_2318del, p.Ile773fs (NM_015120.4); c.2317_2318delAT (NM_015120.4); short protein forms I772fs, I773fs.
Identifiers: ClinVar variation 1676680 (VCV001676680.8), dbSNP rs2103774725, ClinGen allele CA2573135747.

ClinVar aggregate classification (germline): Pathogenic. Review status: criteria provided, multiple submitters, no conflicts (2 of 4 stars). 4 submissions from 4 submitters: Pathogenic (4). Last evaluated 2025-10-01.

Conditions:
Cardiovascular phenotype. Identifiers: MedGen CN230736.
Alstrom syndrome (ALMS). Identifiers: Orphanet 64, MedGen C0268425, MONDO:0008763, OMIM 203800.

Submissions (4):

Ambry Genetics
Classification: Pathogenic for Cardiovascular phenotype. Last evaluated: 2025-10-01. Review status: criteria provided, single submitter. Criteria: Ambry Variant Classification Scheme 2023. Collection method: clinical testing. Allele origin: germline.
Comment: The c.2317_2318delAT pathogenic mutation, located in coding exon 8 of the ALMS1 gene, results from a deletion of two nucleotides at nucleotide positions 2317 to 2318, causing a translational frameshift with a predicted alternate stop codon (p.I773Ffs*13). This variant has been identified in the homozygous state and/or in conjunction with other ALMS1 variant(s) in individual(s) with features consistent with Alstr&ouml;m syndrome (Ozant&uuml;rk A et al. J Hum Genet, 2015 Jan;60:1-9; Nasser F et al. Acta Ophthalmol, 2018 Jun;96:e445-e454; Yakubi M et al. Intractable Rare Dis Res, 2022 May;11:84-86). This variant is considered to be rare based on population cohorts in the Genome Aggregation Database (gnomAD). This alteration is expected to result in loss of function by premature protein truncation or nonsense-mediated mRNA decay. As such, this alteration is interpreted as a disease-causing mutation.

Natera, Inc.
Classification: Pathogenic for Alstrom syndrome. Last evaluated: 2025-02-17. Review status: criteria provided, single submitter. Criteria: Natera Variant Classification Schema (03/2026). Collection method: clinical testing. Allele origin: germline.
Comment: The c.2317_2318delAT variant in ALMS1 is a frameshift variant predicted to shift the reading frame beginning at codon 773 and leads to a stop codon 13 codons downstream. This variant is expected to result in nonsense mediated decay, truncation, or a dysfunctional protein product. This variant is rare in the general population with a frequency below the threshold expected for the associated phenotype(s). This variant has been observed in one or more individuals affected with the associated recessive disease, as either homozygous or compound heterozygous with a second variant (PMID: 35702577, 29193673). Given the available evidence, this variant is classified as Pathogenic.

Labcorp Genetics (formerly Invitae), Labcorp
Classification: Pathogenic for Alstrom syndrome. Last evaluated: 2023-10-05. Review status: criteria provided, single submitter. Criteria: Invitae Variant Classification Sherloc (09022015). Collection method: clinical testing. Allele origin: germline.
Comment: This sequence change creates a premature translational stop signal (p.Ile773Phefs*13) in the ALMS1 gene. It is expected to result in an absent or disrupted protein product. Loss-of-function variants in ALMS1 are known to be pathogenic (PMID: 17594715). This variant is not present in population databases (gnomAD no frequency). This premature translational stop signal has been observed in individual(s) with Alström syndrome (PMID: 25296579, 29193673). ClinVar contains an entry for this variant (Variation ID: 1676680). For these reasons, this variant has been classified as Pathogenic.

Palindrome, Gene Kavoshgaran Aria
Classification: Pathogenic for Alstrom syndrome. Last evaluated: 2022-04-06. Review status: criteria provided, single submitter. Criteria: ACMG Guidelines, 2015. Collection method: clinical testing. Allele origin: germline. Inheritance: Autosomal recessive inheritance. Affected: yes. Observed: 1 homozygote.

Literature cited by the submitters: PubMed 25296579 (cited by Ambry Genetics and Labcorp Genetics (formerly Invitae), Labcorp); PubMed 29193673 (cited by 3 submitters); PubMed 35702577 (cited by Ambry Genetics and Natera, Inc.); PubMed 17594715 (cited by Labcorp Genetics (formerly Invitae), Labcorp).